The following is an entry in ClinVar:

ClinVar aggregate classification (germline): Uncertain significance (1 of 4 stars; one submission).

Submission:

GeneDx
Classification: Uncertain significance. Last evaluated: 2024-08-08. Review status: criteria provided, single submitter. Criteria: GeneDx Variant Classification Process June 2021. Collection method: clinical testing. Allele origin: germline. Affected: yes.
Comment: Not observed at significant frequency in large population cohorts (gnomAD); In silico analysis indicates that this missense variant does not alter protein structure/function; Has not been previously published as pathogenic or benign to our knowledge

NM_001379451.1(BCORL1):c.1970T>A (p.Leu657His)

Gene: BCORL1 (BCL6 corepressor like 1; plus strand). Cytogenetic location: Xq26.1.
Variant type: single nucleotide variant.
Coding change: c.1970T>A on transcript NM_001379451.1 (MANE Select); coding-DNA position 1970, T replaced by A.
Protein change: p.Leu657His; replaces leucine 657 with histidine.
Molecular consequence: missense variant.
Genome position (GRCh38, 1-based): chrX:130,014,742, T>A. VCF-style: chrX-130014742-T-A. GRCh37 (hg19) VCF-style: chrX-129148718-T-A.
Other names: c.1970T>A, p.Leu657His (NM_001184772.3, NM_001379450.1, NM_021946.5); short protein forms L657H.
Identifiers: ClinVar variation 3602896 (VCV003602896.1).